The following is an entry in ClinVar:

ClinVar aggregate classification (germline): Conflicting classifications of pathogenicity. Review status: criteria provided, conflicting classifications (1 of 4 stars). 4 submissions from 4 submitters: Pathogenic (1); Likely pathogenic (1); Uncertain significance (2). Last evaluated 2025-08-18.

Conditions:
Inborn genetic diseases. Identifiers: MedGen C0950123, MeSH D030342.
RYR1-related disorder. Also called: RYR1-related condition; RYR1-related disorders. Identifiers: MedGen CN239331.
Malignant hyperthermia, susceptibility to, 1 (MHS1). Also called: RYR1-Related Malignant Hyperthermia Susceptibility; Anesthesia related hyperthermia; Malignant hyperpyrexia; Fulminating hyperpyrexia; Pharmacogenic myopathy; Malignant hyperthermia suceptibility 1. Identifiers: Orphanet 423, MedGen C2930980, MONDO:0007783, OMIM 145600.

Allele frequency attached by ClinVar (database versions not stated): gnomAD 0.00001; TOPMed 0.00002.
gnomAD v4.1: 2 of 1,614,004 alleles (0.00012%); highest among the groups gnomAD compares: Admixed American, 0.0033%; no homozygotes.

Submissions (4):

Ambry Genetics
Classification: Uncertain significance for Inborn genetic diseases. Last evaluated: 2025-08-18. Review status: criteria provided, single submitter. Criteria: Ambry Variant Classification Scheme 2023. Collection method: clinical testing. Allele origin: germline.
Comment: The c.11193+2T>C intronic variant results from a T to C substitution two nucleotide after coding exon 77 of the RYR1 gene. Alterations that disrupt the canonical splice site are expected to cause aberrant splicing, resulting in an abnormal protein or a transcript that is subject to nonsense-mediated mRNA decay; however, +2T>C alterations are capable of generating wild-type transcripts in some genomic contexts and should be interpreted with caution (Lin, 2019). This variant was not reported in population-based cohorts in the Genome Aggregation Database (gnomAD). Another variant impacting the same donor site (c.11193+1G>A) has been identified in an individual with features consistent with RYR1-related myopathy (Schoonen, 2019). This nucleotide position is highly conserved in available vertebrate species. In silico splice site analysis predicts that this alteration will weaken the native splice donor site. Based on insufficient or conflicting evidence, the clinical significance of this alteration remains unclear.

Revvity Omics, Revvity
Classification: Likely pathogenic. Last evaluated: 2025-08-12. Review status: criteria provided, single submitter. Criteria: ACMG Guidelines, 2015. Collection method: clinical testing. Allele origin: germline.

Color Diagnostics, LLC DBA Color Health
Classification: Uncertain significance for Malignant hyperthermia, susceptibility to, 1. Last evaluated: 2025-07-07. Review status: criteria provided, single submitter. Criteria: ACMG Guidelines, 2015. Collection method: clinical testing. Allele origin: germline.
Comment: This variant causes a T to C nucleotide substitution at +2 position in intron 77 in the RYR1 gene. To our knowledge, functional studies have not been reported for this variant. This variant has not been reported in individuals affected with RYR1-related disorders in the literature. This variant has not been identified in the general population by the Genome Aggregation Database (gnomAD). The available evidence is insufficient to determine the role of this variant in autosomal dominant malignant hyperthermia susceptibility conclusively. Therefore, this variant is classified as a Variant of Uncertain Significance.

Labcorp Genetics (formerly Invitae), Labcorp
Classification: Pathogenic for RYR1-related disorder. Last evaluated: 2025-04-25. Review status: criteria provided, single submitter. Criteria: Invitae Variant Classification Sherloc (09022015). Collection method: clinical testing. Allele origin: germline.
Comment: This sequence change affects a donor splice site in intron 77 of the RYR1 gene. It is expected to disrupt RNA splicing. Variants that disrupt the donor or acceptor splice site typically lead to a loss of protein function (PMID: 16199547), and loss-of-function variants in RYR1 are known to be pathogenic (PMID: 23919265, 25960145, 28818389, 30611313). This variant is not present in population databases (gnomAD no frequency). Disruption of this splice site has been observed in individuals with autosomal recessive congenital myopathy (PMID: 30872186; internal data). ClinVar contains an entry for this variant (Variation ID: 1073352). Algorithms developed to predict the effect of sequence changes on RNA splicing suggest that this variant may disrupt the consensus splice site. For these reasons, this variant has been classified as Pathogenic.

Literature cited by the submitters: PubMed 30872186 (cited by Ambry Genetics and Labcorp Genetics (formerly Invitae), Labcorp); PubMed 31131953 (cited by Ambry Genetics); PubMed 16199547 (cited by Labcorp Genetics (formerly Invitae), Labcorp); PubMed 23919265 (cited by Labcorp Genetics (formerly Invitae), Labcorp); PubMed 25960145 (cited by Labcorp Genetics (formerly Invitae), Labcorp); PubMed 28818389 (cited by Labcorp Genetics (formerly Invitae), Labcorp); PubMed 30611313 (cited by Labcorp Genetics (formerly Invitae), Labcorp).

NM_000540.3(RYR1):c.11193+2T>C

Gene: RYR1 (ryanodine receptor 1; plus strand). Cytogenetic location: 19q13.2.
Variant type: single nucleotide variant.
Coding change: c.11193+2T>C on transcript NM_000540.3 (MANE Select); the canonical splice donor site of the intron after coding-DNA position 11193, T replaced by C.
Molecular consequence: splice donor variant.
Genome position (GRCh38, 1-based): chr19:38,532,543, T>C. VCF-style: chr19-38532543-T-C. GRCh37 (hg19) VCF-style: chr19-39023183-T-C.
Other names: c.11178+2T>C (NM_001042723.2).
Identifiers: ClinVar variation 1073352 (VCV001073352.16), dbSNP rs1971785665, ClinGen allele CA405652684.